The following is an entry in ClinVar:

NM_001371395.1(USP53):c.9G>A (p.Trp3Ter)

Gene: USP53 (ubiquitin specific peptidase 53; plus strand). Cytogenetic location: 4q26.
Variant type: single nucleotide variant.
Coding change: c.9G>A on transcript NM_001371395.1 (MANE Select); coding-DNA position 9, G replaced by A.
Protein change: p.Trp3Ter; replaces tryptophan 3 with a stop codon.
Molecular consequence: nonsense. On other transcripts: intron variant (6).
Genome position (GRCh38, 1-based): chr4:119,239,768, G>A. VCF-style: chr4-119239768-G-A. GRCh37 (hg19) VCF-style: chr4-120160923-G-A.
Other names: c.9G>A, p.Trp3Ter (NM_001371396.1, NM_001371397.1, NM_001371398.1 and 6 more transcripts); c.-204-5569G>A (NM_001389663.1, NM_001389667.1, NM_001389662.1 and 2 more transcripts); c.-205+4357G>A (NM_001389664.1); short protein forms W3*.
Identifiers: ClinVar variation 3601992 (VCV003601992.1).

ClinVar aggregate classification (germline): Likely pathogenic (1 of 4 stars; one submission).

Conditions:
Cholestasis, progressive familial intrahepatic, 7, with or without hearing loss. Identifiers: MedGen C5562043, MONDO:0030503, OMIM 619658.

gnomAD v4.1: 1 of 1,610,292 alleles (0.000062%); highest among the groups gnomAD compares: East Asian, 0.0022%; no homozygotes.

Submission:

MVZ Medizinische Genetik Mainz
Classification: Likely pathogenic for Cholestasis, progressive familial intrahepatic, 7, with or without hearing loss. Last evaluated: 2025-01-03. Review status: criteria provided, single submitter. Criteria: UK Practice Guidelines For Variant Classification V4 01 2020. Collection method: clinical testing. Allele origin: germline. Inheritance: Autosomal recessive inheritance. Affected: yes. Observed: 1 variant allele.
Comment: ACMG Criteria: PVS1_STR,PM2_SUP,PM3_SUP